The following is an entry in ClinVar:

NM_005006.7(NDUFS1):c.2092+7A>C

Gene: NDUFS1 (NADH:ubiquinone oxidoreductase core subunit S1; minus strand). Cytogenetic location: 2q33.3.
Variant type: single nucleotide variant.
Coding change: c.2092+7A>C on transcript NM_005006.7 (MANE Select); 7 bases into the intron after coding-DNA position 2092, A replaced by C.
Molecular consequence: intron variant.
Genome position (GRCh38, 1-based): chr2:206,126,532, T>G on the plus strand (A>C on the coding strand, the complement: NDUFS1 is on the minus strand). VCF-style: chr2-206126532-T-G. GRCh37 (hg19) VCF-style: chr2-206991256-T-G.
Other names: c.1759+7A>C (NM_001199982.2); c.1921+7A>C (NM_001199983.2); c.1984+7A>C (NM_001199981.2); c.2134+7A>C (NM_001199984.2).
Identifiers: ClinVar variation 2120560 (VCV002120560.5), dbSNP rs2105943472, ClinGen allele CA2580065471.

ClinVar aggregate classification (germline): Conflicting classifications of pathogenicity. Review status: criteria provided, conflicting classifications (1 of 4 stars). 2 submissions from 2 submitters: Uncertain significance (1); Likely benign (1). Last evaluated 2024-09-17.

Allele frequency attached by ClinVar (database versions not stated): gnomAD exomes below 0.00001; gnomAD 0.00001.
gnomAD v4.1: 4 of 1,613,828 alleles (0.00025%); highest among the groups gnomAD compares: Middle Eastern, 0.033%; no homozygotes.

Submissions (2):

Blueprint Genetics
Classification: Likely benign. Last evaluated: 2024-09-17. Review status: criteria provided, single submitter. Criteria: ACMG Guidelines, 2015. Collection method: clinical testing. Allele origin: germline.

Labcorp Genetics (formerly Invitae), Labcorp
Classification: Uncertain significance. Last evaluated: 2022-04-07. Review status: criteria provided, single submitter. Criteria: Invitae Variant Classification Sherloc (09022015). Collection method: clinical testing. Allele origin: germline.
Comment: This variant is not present in population databases (gnomAD no frequency). This variant has not been reported in the literature in individuals affected with NDUFS1-related conditions. Algorithms developed to predict the effect of sequence changes on RNA splicing suggest that this variant may create or strengthen a splice site. In summary, the available evidence is currently insufficient to determine the role of this variant in disease. Therefore, it has been classified as a Variant of Uncertain Significance. This sequence change falls in intron 18 of the NDUFS1 gene. It does not directly change the encoded amino acid sequence of the NDUFS1 protein.